The following is an entry in ClinVar:

NM_000552.5(VWF):c.1946-4C>T

Gene: VWF (von Willebrand factor; minus strand). Cytogenetic location: 12p13.31.
Variant type: single nucleotide variant.
Coding change: c.1946-4C>T on transcript NM_000552.5 (MANE Select); 4 bases into the intron before coding-DNA position 1946, C replaced by T.
Molecular consequence: intron variant.
Genome position (GRCh38, 1-based): chr12:6,052,787, G>A on the plus strand (C>T on the coding strand, the complement: VWF is on the minus strand). VCF-style: chr12-6052787-G-A. GRCh37 (hg19) VCF-style: chr12-6161953-G-A.
Other names: c.1946-4C>T (NM_000552.4).
Identifiers: ClinVar variation 100199 (VCV000100199.14), dbSNP rs61748461, ClinGen allele CA228304.

ClinVar aggregate classification (germline): Uncertain significance. Review status: criteria provided, single submitter (1 of 4 stars). 2 submissions from 2 submitters: Uncertain significance (1). 1 of the submissions does not count toward it. Last evaluated 2023-06-27.

Conditions:
VWF-related disorder. Also called: VWF-related disorders; VWF-related condition.

Allele frequency attached by ClinVar (database versions not stated): gnomAD exomes 0.00001; ExAC 0.00004.
gnomAD v4.1: 4 of 1,504,192 alleles (0.00027%); highest among the groups gnomAD compares: Non-Finnish European, 0.00035%; no homozygotes.

Submissions (2):

PreventionGenetics, part of Exact Sciences
Classification: Uncertain significance for VWF-related condition. Last evaluated: 2023-06-27. Review status: criteria provided, single submitter. Criteria: ACMG Guidelines, 2015. Collection method: clinical testing. Allele origin: germline.
Comment: The VWF c.1946-4C>T variant is predicted to interfere with splicing. This variant, along with a second variant in VWF, was reported in an individual with Von Willebrand disease 3 (Patient 5 in Baronciani et al. 2003. PubMed ID: 12737944). However, Baronciani et al. did not provide segregation or functional analysis to further assess the pathogenicity of this variant. This variant is reported in 0.0015% of alleles in individuals of European (Non-Finnish) descent in gnomAD. At this time, the clinical significance of this variant is uncertain due to the absence of conclusive functional and genetic evidence.

Academic Unit of Haematology, University of Sheffield
No classification provided. Review status: no classification provided. Collection method: not provided. Allele origin: not provided. Not counted in ClinVar's aggregate classification.